The following is an entry in ClinVar:

NM_152490.5(B3GALNT2):c.205G>A (p.Val69Met)

Gene: B3GALNT2 (beta-1,3-N-acetylgalactosaminyltransferase 2; minus strand). Cytogenetic location: 1q42.3.
Variant type: single nucleotide variant.
Coding change: c.205G>A on transcript NM_152490.5 (MANE Select); coding-DNA position 205, G replaced by A.
Protein change: p.Val69Met; replaces valine 69 with methionine.
Molecular consequence: missense variant.
Genome position (GRCh38, 1-based): chr1:235,494,736, C>T on the plus strand (G>A on the coding strand, the complement: B3GALNT2 is on the minus strand). VCF-style: chr1-235494736-C-T. GRCh37 (hg19) VCF-style: chr1-235658046-C-T.
Other names: c.328G>A, p.Val110Met (NM_001277155.3); short protein forms V69M, V110M.
Identifiers: ClinVar variation 1408229 (VCV001408229.9), dbSNP rs534508633, ClinGen allele CA1464983.

ClinVar aggregate classification (germline): Uncertain significance. Review status: criteria provided, multiple submitters, no conflicts (2 of 4 stars). 3 submissions from 3 submitters: Uncertain significance (3). Last evaluated 2020-10-29.

Conditions:
Muscular dystrophy-dystroglycanopathy (congenital with brain and eye anomalies), type a, 11 (MDDGA11). Also called: WALKER-WARBURG SYNDROME OR MUSCLE-EYE-BRAIN DISEASE, B3GALNT2-RELATED; Congenital muscular dystrophy-dystroglycanopathy with brain and eye anomalies, type A11; Muscular dystrophy-dystroglycanopathy (congenital with brain and eye anomalies, type A, 11. Identifiers: Orphanet 588, Orphanet 899, MedGen C3554638, MONDO:0014071, OMIM 615181.

Allele frequency attached by ClinVar (database versions not stated): gnomAD 0.00001 and 0.00003; gnomAD exomes 0.00004 and 0.00007; ExAC 0.00010; 1000 Genomes Project 30x 0.00016; 1000 Genomes Project 0.00020.
gnomAD v4.1: 64 of 1,612,866 alleles (0.004%); highest among the groups gnomAD compares: South Asian, 0.025%; no homozygotes.

Submissions (3):

Labcorp Genetics (formerly Invitae), Labcorp
Classification: Uncertain significance for Muscular dystrophy-dystroglycanopathy (congenital with brain and eye anomalies), type a, 11. Last evaluated: 2020-10-29. Review status: criteria provided, single submitter. Criteria: Invitae Variant Classification Sherloc (09022015). Collection method: clinical testing. Allele origin: germline.
Comment: In summary, the available evidence is currently insufficient to determine the role of this variant in disease. Therefore, it has been classified as a Variant of Uncertain Significance. Algorithms developed to predict the effect of missense changes on protein structure and function are either unavailable or do not agree on the potential impact of this missense change (SIFT: "Tolerated"; PolyPhen-2: "Possibly Damaging"; Align-GVGD: "Class C0"). This variant has not been reported in the literature in individuals with B3GALNT2-related conditions. This variant is present in population databases (rs534508633, ExAC 0.06%). This sequence change replaces valine with methionine at codon 69 of the B3GALNT2 protein (p.Val69Met). The valine residue is moderately conserved and there is a small physicochemical difference between valine and methionine.

Victorian Clinical Genetics Services, Murdoch Childrens Research Institute
Classification: Uncertain significance for Muscular dystrophy-dystroglycanopathy (congenital with brain and eye anomalies), type a, 11. Last evaluated: 2020-05-25. Review status: criteria provided, single submitter. Criteria: ACMG Guidelines, 2015. Collection method: clinical testing. Allele origin: germline. Inheritance: Autosomal recessive inheritance.
Comment: Based on the classification scheme VCGS_Germline_v1.1.1, this variant is classified as VUS – 3C. Following criteria are met: 0102 - Loss-of-function is a known mechanism of disease for this gene. (N) 0106 - This gene is known to be associated with autosomal recessive disease. (N) 0200 - Variant is predicted to result in a missense amino acid change from valine to methionine (exon 2). (N) 0251 - Variant is heterozygous. (N) 0304 - Variant is present in gnomAD <0.01 for a recessive condition (17 heterozygotes, 0 homozygotes). (P) 0503 - Missense variant consistently predicted to be tolerated or not conserved in mammals with a minor amino acid change. (B) 0504 - Same amino acid change has been observed in mammals. (B) 0600 - Variant is located in an annotated domain or motif (PLN03133 superfamily domain; NCBI). (N) 0705 - No comparable variants have previous evidence for pathogenicity. (N) 0807 - Variant has not previously been reported in a clinical context. (N) 0905 - No segregation evidence has been identified for this variant. (N) 1007 - No published functional evidence has been identified for this variant. (N) 1208 - Inheritance information for this variant is not currently available. (N) Legend: (P) - Pathogenic, (N) - Neutral, (B) - Benign

Revvity Omics, Revvity
Classification: Uncertain significance for Muscular dystrophy-dystroglycanopathy (congenital with brain and eye anomalies), type a, 11. Last evaluated: 2019-08-19. Review status: criteria provided, single submitter. Criteria: ACMG Guidelines, 2015. Collection method: clinical testing. Allele origin: germline.